The following is an entry in ClinVar:

NM_001308093.3(GATA4):c.1132A>G (p.Ser378Gly)

Gene: GATA4 (GATA binding protein 4). Cytogenetic location: 8p23.1.
Variant type: single nucleotide variant.
Coding change: c.1132A>G on transcript NM_001308093.3 (MANE Select); coding-DNA position 1132, A replaced by G.
Protein change: p.Ser378Gly; replaces serine 378 with glycine.
Molecular consequence: missense variant.
Genome position (GRCh38, 1-based): chr8:11,757,066, A>G. VCF-style: chr8-11757066-A-G. GRCh37 (hg19) VCF-style: chr8-11614575-A-G.
Other names: c.511A>G, p.Ser171Gly (NM_001308094.2, NM_001374273.1); c.385A>G, p.Ser129Gly (NM_001374274.1); c.1129A>G, p.Ser377Gly (NM_002052.5); short protein forms S377G, S378G, S171G, S129G.
Identifiers: ClinVar variation 44334 (VCV000044334.41), dbSNP rs3729856, ClinGen allele CA133993.

ClinVar aggregate classification (germline): Conflicting classifications of pathogenicity. Review status: criteria provided, conflicting classifications (1 of 4 stars). 15 submissions from 15 submitters: Uncertain significance (1); Benign (8). 6 of the submissions do not count toward it. Last evaluated 2026-02-04.

Conditions:
Cardiovascular phenotype. Identifiers: MedGen CN230736.
Atrioventricular septal defect 4 (AVSD4). Identifiers: MedGen C3280781, MONDO:0013747, OMIM 614430.
Neonatal insulin-dependent diabetes mellitus. Identifiers: MedGen C3278636, HP:0000857.

Allele frequency attached by ClinVar (database versions not stated): gnomAD exomes 0.11193 and 0.09520; TOPMed 0.07830; gnomAD 0.08851 and 0.09064; ESP Exome Variant Server 0.10057; 1000 Genomes Project 30x 0.04154; 1000 Genomes Project 0.04293; ExAC 0.09621.

Submissions (15):

Labcorp Genetics (formerly Invitae), Labcorp
Classification: Benign for Atrioventricular septal defect 4. Last evaluated: 2026-02-04. Review status: criteria provided, single submitter. Criteria: Invitae Variant Classification Sherloc (09022015). Collection method: clinical testing. Allele origin: germline.

ARUP Laboratories, Molecular Genetics and Genomics, ARUP Laboratories
Classification: Benign. Last evaluated: 2025-06-02. Review status: criteria provided, single submitter. Criteria: ARUP Molecular Germline Variant Investigation Process 2024. Collection method: clinical testing. Allele origin: germline.

Blueprint Genetics
Classification: Benign. Last evaluated: 2024-11-27. Review status: criteria provided, single submitter. Criteria: ACMG Guidelines, 2015. Collection method: clinical testing. Allele origin: germline.

Mayo Clinic Laboratories, Mayo Clinic
Classification: Benign. Last evaluated: 2023-11-08. Review status: criteria provided, single submitter. Criteria: ACMG Guidelines, 2015. Collection method: clinical testing. Allele origin: germline. Observed: 5 variant alleles.
Comment: BA1, BS2

GeneDx
Classification: Benign. Last evaluated: 2018-09-11. Review status: criteria provided, single submitter. Criteria: GeneDx Variant Classification Process June 2021. Collection method: clinical testing. Allele origin: germline. Affected: yes.
Comment: This variant is associated with the following publications: (PMID: 30229885, 28541271, 23626780, 28161810, 27064867)

Laboratory for Molecular Medicine, Mass General Brigham Personalized Medicine
Classification: Benign. Last evaluated: 2016-12-13. Review status: criteria provided, single submitter. Criteria: LMM Criteria. Collection method: clinical testing. Allele origin: germline. Observed: 13 variant alleles.
Comment: p.Ser377Gly in exon 6 of GATA4: This variant is not expected to have clinical si gnificance because it is not located within the splice consensus sequence. It h as been identified in 14% (927/6596) of European chromosomes, including 67 homoz ygotes by the Exome Aggregation Consortium (ExAC ; dbSNP rs3729856).

Ambry Genetics
Classification: Benign for Cardiovascular phenotype. Last evaluated: 2015-06-23. Review status: criteria provided, single submitter. Criteria: Ambry Variant Classification Scheme 2023. Collection method: clinical testing. Allele origin: germline.

Breakthrough Genomics
Classification: Benign. Review status: criteria provided, single submitter. Criteria: ACMG Guidelines, 2015. Collection method: not provided. Allele origin: germline. Inheritance: Autosomal dominant inheritance. Affected: yes.

Clinical Genomics, Uppaluri K&H Personalized Medicine Clinic
Classification: Uncertain significance for Neonatal insulin-dependent diabetes mellitus. Review status: criteria provided, single submitter. Criteria: K & H Uppaluri Personalized Medicine Clinic Variant Classification & Assertion Criteria_Updated V.1. Collection method: research. Allele origin: unknown.
Comment: Potent mutations in GATA4 gene are associated with neonatal diabetes, decreased insulin production due to pancreatic aplasia or hypoplasia. Also associated with isolated cardiac abnormalities in children, like atrial septal defects. However no sufficient evidence is found to ascertain the role of this particular variant rs3729856 yet.

Clinical Genetics DNA and cytogenetics Diagnostics Lab, Erasmus MC, Erasmus Medical Center
Classification: Benign. Review status: no assertion criteria provided. Collection method: clinical testing. Allele origin: germline. Affected: yes. Study: VKGL Data-share Consensus. Not counted in ClinVar's aggregate classification.

Department of Pathology and Laboratory Medicine, Sinai Health System
Classification: Benign. Review status: no assertion criteria provided. Collection method: clinical testing. Allele origin: unknown. Affected: yes. Study: The Canadian Open Genetics Repository (COGR). Not counted in ClinVar's aggregate classification.

Dept of Molecular Genetics and Enzymology, National Research Centre
Classification: Likely pathogenic. Review status: no assertion criteria provided. Collection method: not provided. Allele origin: unknown. Not counted in ClinVar's aggregate classification.
Comment: Ventricular and atrial septal defects, and pulmonary stenosis
ClinVar note: Converted during submission from probable-pathogenic to Likely pathogenic.

Genome Diagnostics Laboratory, Amsterdam University Medical Center
Classification: Benign. Review status: no assertion criteria provided. Collection method: clinical testing. Allele origin: germline. Affected: yes. Study: VKGL Data-share Consensus. Not counted in ClinVar's aggregate classification.

Genome Diagnostics Laboratory, University Medical Center Utrecht
Classification: Benign. Review status: no assertion criteria provided. Collection method: clinical testing. Allele origin: germline. Affected: yes. Study: VKGL Data-share Consensus. Not counted in ClinVar's aggregate classification.

Joint Genome Diagnostic Labs from Nijmegen and Maastricht, Radboudumc and MUMC+
Classification: Benign. Review status: no assertion criteria provided. Collection method: clinical testing. Allele origin: germline. Affected: yes. Study: VKGL Data-share Consensus. Not counted in ClinVar's aggregate classification.

Literature cited by the submitters: PubMed 23626780 (cited by Mayo Clinic Laboratories, Mayo Clinic); PubMed 27064867 (cited by Mayo Clinic Laboratories, Mayo Clinic); PubMed 28161810 (cited by Mayo Clinic Laboratories, Mayo Clinic); PubMed 28541271 (cited by Mayo Clinic Laboratories, Mayo Clinic); PubMed 30229885 (cited by Mayo Clinic Laboratories, Mayo Clinic); PubMed 20854389 (cited by Clinical Genomics, Uppaluri K&H Personalized Medicine Clinic); PubMed 24696446 (cited by Clinical Genomics, Uppaluri K&H Personalized Medicine Clinic); PubMed 33865372 (cited by Clinical Genomics, Uppaluri K&H Personalized Medicine Clinic); PubMed 27810688 (cited by Clinical Genomics, Uppaluri K&H Personalized Medicine Clinic).